The following is an entry in ClinVar:

ClinVar aggregate classification (germline): Uncertain significance (1 of 4 stars; one submission).

gnomAD v4.1: 1 of 1,614,106 alleles (0.000062%); highest among the groups gnomAD compares: African/African-American, 0.0013%; no homozygotes.

Submission:

Labcorp Genetics (formerly Invitae), Labcorp
Classification: Uncertain significance. Last evaluated: 2022-02-19. Review status: criteria provided, single submitter. Criteria: Invitae Variant Classification Sherloc (09022015). Collection method: clinical testing. Allele origin: germline.
Comment: In summary, the available evidence is currently insufficient to determine the role of this variant in disease. Therefore, it has been classified as a Variant of Uncertain Significance. Advanced modeling of protein sequence and biophysical properties (such as structural, functional, and spatial information, amino acid conservation, physicochemical variation, residue mobility, and thermodynamic stability) performed at Invitae indicates that this missense variant is not expected to disrupt CSF1R protein function. This variant has not been reported in the literature in individuals affected with CSF1R-related conditions. This variant is not present in population databases (gnomAD no frequency). This sequence change replaces glutamic acid, which is acidic and polar, with lysine, which is basic and polar, at codon 912 of the CSF1R protein (p.Glu912Lys).

NM_001288705.3(CSF1R):c.2734G>A (p.Glu912Lys)

Gene: CSF1R (colony stimulating factor 1 receptor; minus strand). Cytogenetic location: 5q32.
Variant type: single nucleotide variant.
Coding change: c.2734G>A on transcript NM_001288705.3 (MANE Select); coding-DNA position 2734, G replaced by A.
Protein change: p.Glu912Lys; replaces glutamic acid 912 with lysine.
Molecular consequence: missense variant. On other transcripts: non-coding transcript variant (2).
Genome position (GRCh38, 1-based): chr5:150,054,351, C>T on the plus strand (G>A on the coding strand, the complement: CSF1R is on the minus strand). VCF-style: chr5-150054351-C-T. GRCh37 (hg19) VCF-style: chr5-149433914-C-T.
Other names: c.2734G>A, p.Glu912Lys (NM_001349736.2, NM_001375320.1, NM_005211.4); c.2290G>A, p.Glu764Lys (NM_001375321.1); short protein forms E764K, E912K.
Identifiers: ClinVar variation 2098704 (VCV002098704.4), dbSNP rs2480937194, ClinGen allele CA361756977.